The following is an entry in ClinVar:

NM_001371986.1(UNC80):c.9073G>C (p.Ala3025Pro)

Gene: UNC80 (unc-80 subunit of NALCN channel complex; plus strand). Cytogenetic location: 2q34.
Variant type: single nucleotide variant.
Coding change: c.9073G>C on transcript NM_001371986.1 (MANE Select); coding-DNA position 9073, G replaced by C.
Protein change: p.Ala3025Pro; replaces alanine 3025 with proline.
Molecular consequence: missense variant.
Genome position (GRCh38, 1-based): chr2:209,978,663, G>C. VCF-style: chr2-209978663-G-C. GRCh37 (hg19) VCF-style: chr2-210843387-G-C.
Other names: c.8875G>C, p.Ala2959Pro (NM_032504.2); c.8860G>C, p.Ala2954Pro (NM_182587.4); short protein forms A2959P, A2954P, A3025P.
Identifiers: ClinVar variation 1360003 (VCV001360003.6), dbSNP rs1331302523, ClinGen allele CA350414665.

ClinVar aggregate classification (germline): Uncertain significance (1 of 4 stars; one submission).

Allele frequency attached by ClinVar (database versions not stated): gnomAD 0.00001; gnomAD exomes 0.00001; TOPMed 0.00001.
gnomAD v4.1: 4 of 1,549,524 alleles (0.00026%); highest among the groups gnomAD compares: African/African-American, 0.0027%; no homozygotes.

Submission:

Labcorp Genetics (formerly Invitae), Labcorp
Classification: Uncertain significance. Last evaluated: 2022-04-16. Review status: criteria provided, single submitter. Criteria: Invitae Variant Classification Sherloc (09022015). Collection method: clinical testing. Allele origin: germline.
Comment: In summary, the available evidence is currently insufficient to determine the role of this variant in disease. Therefore, it has been classified as a Variant of Uncertain Significance. Algorithms developed to predict the effect of missense changes on protein structure and function are either unavailable or do not agree on the potential impact of this missense change (SIFT: "Not Available"; PolyPhen-2: "Benign"; Align-GVGD: "Not Available"). This variant has not been reported in the literature in individuals affected with UNC80-related conditions. The frequency data for this variant in the population databases is considered unreliable, as metrics indicate poor data quality at this position in the gnomAD database. This sequence change replaces alanine, which is neutral and non-polar, with proline, which is neutral and non-polar, at codon 2959 of the UNC80 protein (p.Ala2959Pro).